The following is an entry in ClinVar:

ClinVar aggregate classification (germline): Benign. Review status: criteria provided, multiple submitters, no conflicts (2 of 4 stars). 9 submissions from 9 submitters: Benign (8). 1 of the submissions does not count toward it. Last evaluated 2026-02-03.

Conditions:
Inborn genetic diseases. Identifiers: MedGen C0950123, MeSH D030342.
Neuronal ceroid lipofuscinosis. Also called: Neuronal Ceroid Lipofuscinoses. Identifiers: Orphanet 216, Orphanet 79263, MedGen C0027877, MONDO:0016295. Disease mechanism: loss of function.
Ceroid lipofuscinosis, neuronal, 4 (Kufs type) (CLN4). Also called: Neuronal ceroid lipofuscinosis 4B; Ceroid lipofuscinosis, neuronal, 4, Parry type. Identifiers: Orphanet 228343, Orphanet 79262, MedGen C1834207, MONDO:0008083, OMIM 162350.

Allele frequency attached by ClinVar (database versions not stated): ESP Exome Variant Server 0.00154; gnomAD 0.01342 and 0.01412; TOPMed 0.01618; ExAC 0.02555; 1000 Genomes Project 0.02776; 1000 Genomes Project 30x 0.03029; gnomAD exomes 0.03261.
gnomAD v4.1: 13,648 of 1,614,020 alleles (0.85%); highest among the groups gnomAD compares: Admixed American, 17%; 1,180 homozygotes.

Submissions (9):

Labcorp Genetics (formerly Invitae), Labcorp
Classification: Benign for Neuronal ceroid lipofuscinosis. Last evaluated: 2026-02-03. Review status: criteria provided, single submitter. Criteria: Invitae Variant Classification Sherloc (09022015). Collection method: clinical testing. Allele origin: germline.

Athena Diagnostics
Classification: Benign. Last evaluated: 2018-10-12. Review status: criteria provided, single submitter. Criteria: Athena Diagnostics Criteria. Collection method: clinical testing. Allele origin: germline.

Illumina Laboratory Services, Illumina
Classification: Benign for Ceroid lipofuscinosis, neuronal, 4 (Kufs type). Last evaluated: 2018-01-13. Review status: criteria provided, single submitter. Criteria: ICSL Variant Classification Criteria 13 December 2019. Collection method: clinical testing. Allele origin: germline.
Comment: This variant was observed in the ICSL laboratory as part of a predisposition screen in an ostensibly healthy population. It had not been previously curated by ICSL or reported in the Human Gene Mutation Database (HGMD: prior to June 1st, 2018), and was therefore a candidate for classification through an automated scoring system. Utilizing variant allele frequency, disease prevalence and penetrance estimates, and inheritance mode, an automated score was calculated to assess if this variant is too frequent to cause the disease. Based on the score and internal cut-off values, a variant classified as benign is not then subjected to further curation. The score for this variant resulted in a classification of benign for this disease.

Ambry Genetics
Classification: Benign for Inborn genetic diseases. Last evaluated: 2016-02-25. Review status: criteria provided, single submitter. Criteria: Ambry Variant Classification Scheme 2023. Collection method: clinical testing. Allele origin: germline.

GeneDx
Classification: Benign. Last evaluated: 2015-03-03. Review status: criteria provided, single submitter. Criteria: GeneDx Variant Classification Process June 2021. Collection method: clinical testing. Allele origin: germline. Affected: yes.

Eurofins Ntd Llc (ga)
Classification: Benign. Last evaluated: 2014-08-04. Review status: criteria provided, single submitter. Criteria: EGL Classification Definitions 2015. Collection method: clinical testing. Allele origin: germline. Observed: 2 variant alleles, 2 heterozygotes.

Breakthrough Genomics
Classification: Benign. Review status: criteria provided, single submitter. Criteria: ACMG Guidelines, 2015. Collection method: not provided. Allele origin: germline. Inheritance: Autosomal dominant inheritance. Affected: yes.

PreventionGenetics, part of Exact Sciences
Classification: Benign. Review status: criteria provided, single submitter. Criteria: ACMG Guidelines, 2015. Collection method: clinical testing. Allele origin: germline.

Mayo Clinic Laboratories, Mayo Clinic
Classification: Benign. Last evaluated: 2016-12-30. Review status: no assertion criteria provided. Collection method: clinical testing. Allele origin: unknown. Not counted in ClinVar's aggregate classification.

NM_025219.3(DNAJC5):c.144C>T (p.Pro48=)

Gene: DNAJC5 (DnaJ heat shock protein family (Hsp40) member C5; plus strand). Cytogenetic location: 20q13.33.
Variant type: single nucleotide variant.
Coding change: c.144C>T on transcript NM_025219.3 (MANE Select); coding-DNA position 144, C replaced by T.
Protein change: p.Pro48=; no amino-acid change (proline 48 retained).
Molecular consequence: synonymous variant.
Genome position (GRCh38, 1-based): chr20:63,929,348, C>T. VCF-style: chr20-63929348-C-T. GRCh37 (hg19) VCF-style: chr20-62560701-C-T.
Identifiers: ClinVar variation 196527 (VCV000196527.30), dbSNP rs113987077, ClinGen allele CA202430.